The following is an entry in ClinVar:

NM_024027.5(COLEC11):c.304C>A (p.Pro102Thr)

Gene: COLEC11 (collectin subfamily member 11; plus strand). Cytogenetic location: 2p25.3.
Variant type: single nucleotide variant.
Coding change: c.304C>A on transcript NM_024027.5 (MANE Select); coding-DNA position 304, C replaced by A.
Protein change: p.Pro102Thr; replaces proline 102 with threonine.
Molecular consequence: missense variant. On other transcripts: non-coding transcript variant (1).
Genome position (GRCh38, 1-based): chr2:3,640,307, C>A. VCF-style: chr2-3640307-C-A. GRCh37 (hg19) VCF-style: chr2-3687897-C-A.
Other names: c.304C>A (NM_024027.3); c.232C>A, p.Pro78Thr (NM_001255982.2, NM_001255983.2); c.160C>A, p.Pro54Thr (NM_001255984.2); c.346C>A, p.Pro116Thr (NM_001255985.1); c.226C>A, p.Pro76Thr (NM_001255986.1); c.154C>A, p.Pro52Thr (NM_001255987.1, NM_001255988.1); c.82C>A, p.Pro28Thr (NM_001255989.1); c.295C>A, p.Pro99Thr (NM_199235.3); short protein forms P52T, P76T, P116T, P28T, P99T, P102T, P54T, P78T.
Identifiers: ClinVar variation 3717933 (VCV003717933.3).

ClinVar aggregate classification (germline): Uncertain significance. Review status: criteria provided, multiple submitters, no conflicts (2 of 4 stars). 2 submissions from 2 submitters: Uncertain significance (2). Last evaluated 2025-05-13.

Conditions:
Inborn genetic diseases. Identifiers: MedGen C0950123, MeSH D030342.

gnomAD v4.1: 2 of 1,599,908 alleles (0.00013%); highest among the groups gnomAD compares: Non-Finnish European, 0.00017%; no homozygotes.

Submissions (2):

Ambry Genetics
Classification: Uncertain significance for Inborn genetic diseases. Last evaluated: 2025-05-13. Review status: criteria provided, single submitter. Criteria: Ambry Variant Classification Scheme 2023. Collection method: clinical testing. Allele origin: germline.

Labcorp Genetics (formerly Invitae), Labcorp
Classification: Uncertain significance. Last evaluated: 2024-02-08. Review status: criteria provided, single submitter. Criteria: Invitae Variant Classification Sherloc (09022015). Collection method: clinical testing. Allele origin: germline.
Comment: This sequence change replaces proline, which is neutral and non-polar, with threonine, which is neutral and polar, at codon 102 of the COLEC11 protein (p.Pro102Thr). This variant is not present in population databases (gnomAD no frequency). This variant has not been reported in the literature in individuals affected with COLEC11-related conditions. Advanced modeling of protein sequence and biophysical properties (such as structural, functional, and spatial information, amino acid conservation, physicochemical variation, residue mobility, and thermodynamic stability) performed at Invitae indicates that this missense variant is not expected to disrupt COLEC11 protein function with a negative predictive value of 80%. In summary, the available evidence is currently insufficient to determine the role of this variant in disease. Therefore, it has been classified as a Variant of Uncertain Significance.